The following is an entry in ClinVar:

ClinVar aggregate classification (germline): Uncertain significance. Review status: criteria provided, multiple submitters, no conflicts (2 of 4 stars). 2 submissions from 2 submitters: Uncertain significance (2). Last evaluated 2024-03-04.

Allele frequency attached by ClinVar (database versions not stated): gnomAD exomes below 0.00001; TOPMed 0.00001.
gnomAD v4.1: 2 of 1,613,664 alleles (0.00012%); highest among the groups gnomAD compares: Admixed American, 0.0033%; no homozygotes.

Submissions (2):

Labcorp Genetics (formerly Invitae), Labcorp
Classification: Uncertain significance. Last evaluated: 2024-03-04. Review status: criteria provided, single submitter. Criteria: Invitae Variant Classification Sherloc (09022015). Collection method: clinical testing. Allele origin: germline.
Comment: This sequence change replaces alanine, which is neutral and non-polar, with threonine, which is neutral and polar, at codon 570 of the SEMA4A protein (p.Ala570Thr). This variant is present in population databases (no rsID available, gnomAD 0.003%). This variant has not been reported in the literature in individuals affected with SEMA4A-related conditions. ClinVar contains an entry for this variant (Variation ID: 2155115). Advanced modeling of protein sequence and biophysical properties (such as structural, functional, and spatial information, amino acid conservation, physicochemical variation, residue mobility, and thermodynamic stability) performed at Invitae indicates that this missense variant is not expected to disrupt SEMA4A protein function with a negative predictive value of 80%. In summary, the available evidence is currently insufficient to determine the role of this variant in disease. Therefore, it has been classified as a Variant of Uncertain Significance.

Blueprint Genetics
Classification: Uncertain significance. Last evaluated: 2018-08-14. Review status: criteria provided, single submitter. Criteria: ACMG Guidelines, 2015. Collection method: clinical testing. Allele origin: germline.

NM_022367.4(SEMA4A):c.1708G>A (p.Ala570Thr)

Gene: SEMA4A (semaphorin 4A; plus strand). Cytogenetic location: 1q22.
Variant type: single nucleotide variant.
Coding change: c.1708G>A on transcript NM_022367.4 (MANE Select); coding-DNA position 1708, G replaced by A.
Protein change: p.Ala570Thr; replaces alanine 570 with threonine.
Molecular consequence: missense variant.
Genome position (GRCh38, 1-based): chr1:156,176,419, G>A. VCF-style: chr1-156176419-G-A. GRCh37 (hg19) VCF-style: chr1-156146210-G-A.
Other names: c.1708G>A, p.Ala570Thr (NM_001193300.2, NM_001193301.2, NM_001370567.1); c.1312G>A, p.Ala438Thr (NM_001193302.2); c.1411G>A, p.Ala471Thr (NM_001370568.1); c.1201G>A, p.Ala401Thr (NM_001370569.1, NM_001370571.1); short protein forms A471T, A570T, A401T, A438T.
Identifiers: ClinVar variation 2155115 (VCV002155115.5), dbSNP rs1367625425, ClinGen allele CA342811157.